The following is an entry in ClinVar:

ClinVar aggregate classification (germline): Benign/Likely benign. Review status: criteria provided, multiple submitters, no conflicts (2 of 4 stars). 3 submissions from 3 submitters: Benign (1); Likely benign (2). Last evaluated 2024-12-01.

Allele frequency attached by ClinVar (database versions not stated): gnomAD 0.00013 and 0.00017; TOPMed 0.00017; gnomAD exomes 0.00035; ExAC 0.00036; 1000 Genomes Project 0.00080; 1000 Genomes Project 30x 0.00094.
gnomAD v4.1: 148 of 1,519,250 alleles (0.0097%); highest among the groups gnomAD compares: East Asian, 0.31%; no homozygotes.

Submissions (3):

CeGaT Center for Human Genetics Tuebingen
Classification: Likely benign. Last evaluated: 2024-12-01. Review status: criteria provided, single submitter. Criteria: CeGaT Center For Human Genetics Tuebingen Variant Classification Criteria Version 2. Collection method: clinical testing. Allele origin: germline. Affected: yes. Observed: 1 variant allele.
Comment: CHD7: BS1

GeneDx
Classification: Benign. Last evaluated: 2020-10-20. Review status: criteria provided, single submitter. Criteria: GeneDx Variant Classification Process June 2021. Collection method: clinical testing. Allele origin: germline. Affected: yes.

PreventionGenetics, part of Exact Sciences
Classification: Likely benign. Review status: criteria provided, single submitter. Criteria: ACMG Guidelines, 2015. Collection method: clinical testing. Allele origin: germline.

NM_017780.4(CHD7):c.4851-31C>T

Gene: CHD7 (chromodomain helicase DNA binding protein 7; plus strand). Cytogenetic location: 8q12.2.
Variant type: single nucleotide variant.
Coding change: c.4851-31C>T on transcript NM_017780.4 (MANE Select); 31 bases into the intron before coding-DNA position 4851, C replaced by T.
Molecular consequence: intron variant.
Genome position (GRCh38, 1-based): chr8:60,844,833, C>T. VCF-style: chr8-60844833-C-T. GRCh37 (hg19) VCF-style: chr8-61757392-C-T.
Other names: c.1717-17396C>T (NM_001316690.1).
Identifiers: ClinVar variation 260906 (VCV000260906.17), dbSNP rs149348445, ClinGen allele CA4760216.